The following is an entry in ClinVar:

ClinVar aggregate classification (germline): Likely benign (0 of 4 stars; one submission).

Conditions:
DNAH8-related disorder. Also called: DNAH8-related condition.

Allele frequency attached by ClinVar (database versions not stated): ExAC 0.00006; gnomAD 0.00009; TOPMed 0.00012; gnomAD exomes 0.00017.
gnomAD v4.1: 269 of 1,570,864 alleles (0.017%); highest among the groups gnomAD compares: Non-Finnish European, 0.021%; no homozygotes.

Submission:

PreventionGenetics, part of Exact Sciences
Classification: Likely benign for DNAH8-related condition. Last evaluated: 2019-09-03. Review status: no assertion criteria provided. Collection method: clinical testing. Allele origin: germline.
Comment: This variant is classified as likely benign based on ACMG/AMP sequence variant interpretation guidelines (Richards et al. 2015 PMID: 25741868, with internal and published modifications).

NM_001206927.2(DNAH8):c.-9C>T

Genes: DNAH8 (dynein axonemal heavy chain 8; plus strand), LOC126859667 (BRD4-independent group 4 enhancer GRCh37_chr6:38690326-38691525; plus strand). Cytogenetic location: 6p21.2.
Variant type: single nucleotide variant.
Coding change: c.-9C>T on transcript NM_001206927.2 (MANE Select); 9 bases upstream of the start codon, C replaced by T.
Molecular consequence: 5 prime UTR variant.
Genome position (GRCh38, 1-based): chr6:38,722,801, C>T. VCF-style: chr6-38722801-C-T. GRCh37 (hg19) VCF-style: chr6-38690577-C-T.
Other names: c.-575C>T (NM_001371.4).
Identifiers: ClinVar variation 3053749 (VCV003053749.2), dbSNP rs770813217, ClinGen allele CA3787819.